The following is an entry in ClinVar:

ClinVar aggregate classification (germline): Uncertain significance (1 of 4 stars; one submission).

gnomAD v4.1: 3 of 1,206,661 alleles (0.00025%); highest among the groups gnomAD compares: African/African-American, 0.0053%; no homozygotes.

Submission:

GeneDx
Classification: Uncertain significance. Last evaluated: 2024-04-23. Review status: criteria provided, single submitter. Criteria: GeneDx Variant Classification Process June 2021. Collection method: clinical testing. Allele origin: germline. Affected: yes.
Comment: Not observed at significant frequency in large population cohorts (gnomAD); In silico analysis supports that this missense variant has a deleterious effect on protein structure/function; Has not been previously published as pathogenic or benign to our knowledge

NM_002024.6(FMR1):c.742C>T (p.Pro248Ser)

Gene: FMR1 (fragile X messenger ribonucleoprotein 1; plus strand). Cytogenetic location: Xq27.3.
Variant type: single nucleotide variant.
Coding change: c.742C>T on transcript NM_002024.6 (MANE Select); coding-DNA position 742, C replaced by T.
Protein change: p.Pro248Ser; replaces proline 248 with serine.
Molecular consequence: missense variant. On other transcripts: non-coding transcript variant (2).
Genome position (GRCh38, 1-based): chrX:147,932,536, C>T. VCF-style: chrX-147932536-C-T. GRCh37 (hg19) VCF-style: chrX-147014055-C-T.
Other names: c.742C>T, p.Pro248Ser (NM_001185075.2, NM_001185076.2, NM_001185081.2 and 1 more transcripts); short protein forms P248S.
Identifiers: ClinVar variation 3369105 (VCV003369105.1).